The following is an entry in ClinVar:

ClinVar aggregate classification (germline): Uncertain significance (1 of 4 stars; one submission).

gnomAD v4.1: 1 of 1,613,996 alleles (0.000062%); highest among the groups gnomAD compares: East Asian, 0.0022%; no homozygotes.

Submission:

Women's Health and Genetics/Laboratory Corporation of America, LabCorp
Classification: Uncertain significance. Last evaluated: 2026-04-01. Review status: criteria provided, single submitter. Criteria: LabCorp Variant Classification Summary - May 2015. Collection method: clinical testing. Allele origin: germline.
Comment: Variant summary: ITGB3 c.538G>C (p.Gly180Arg) results in a non-conservative amino acid change in the encoded protein sequence. Algorithms developed to predict the effect of missense changes on protein structure and function all suggest that this variant is likely to be disruptive. The variant was absent in 251462 control chromosomes. The available data on variant occurrences in the general population are insufficient to allow any conclusion about variant significance. To our knowledge, no occurrence of c.538G>C in individuals affected with ITGB3-related conditions and no experimental evidence demonstrating its impact on protein function have been reported. No submitters have cited clinical-significance assessments for this variant to ClinVar. Based on the evidence outlined above, the variant was classified as uncertain significance.

NM_000212.3(ITGB3):c.538G>C (p.Gly180Arg)

Gene: ITGB3 (integrin subunit beta 3; plus strand). Cytogenetic location: 17q21.32.
Variant type: single nucleotide variant.
Coding change: c.538G>C on transcript NM_000212.3 (MANE Select); coding-DNA position 538, G replaced by C.
Protein change: p.Gly180Arg; replaces glycine 180 with arginine.
Molecular consequence: missense variant.
Genome position (GRCh38, 1-based): chr17:47,284,619, G>C. VCF-style: chr17-47284619-G-C. GRCh37 (hg19) VCF-style: chr17-45361985-G-C.
Other names: short protein forms G180R.
Identifiers: ClinVar variation 4848963 (VCV004848963.1).
Genomic context (GRCh38, chr17:47,284,619, plus strand): 5'-CTGGGTACCAAGCTGGCCACCCAGATGCGAAAGCTCACCAGTAACCTGCGGATTGGCTTC[G>C]GGGCATTTGTGGACAAGCCTGTGTCACCATACATGTATATCTCCCCACCAGAGGCCCTCG-3'
Protein context (NP_000203.2, residues 170-190): KLTSNLRIGF[Gly180Arg]AFVDKPVSPY